The following is an entry in ClinVar:

NM_198578.4(LRRK2):c.467A>C (p.Glu156Ala)

Gene: LRRK2 (leucine rich repeat kinase 2; plus strand). Cytogenetic location: 12q12.
Variant type: single nucleotide variant.
Coding change: c.467A>C on transcript NM_198578.4 (MANE Select); coding-DNA position 467, A replaced by C.
Protein change: p.Glu156Ala; replaces glutamic acid 156 with alanine.
Molecular consequence: missense variant.
Genome position (GRCh38, 1-based): chr12:40,237,999, A>C. VCF-style: chr12-40237999-A-C. GRCh37 (hg19) VCF-style: chr12-40631801-A-C.
Other names: short protein forms E156A.
Identifiers: ClinVar variation 1742372 (VCV001742372.2), dbSNP rs996735626, ClinGen allele CA235351989.
Genomic context (GRCh38, chr12:40,237,999, plus strand): 5'-ACTCAGAGCATATTATTCTCTTTAAAATAGGTAAAATCACCTTGCTGATATTGGATGAAG[A>C]AAGTGATATTTTCATGTTAATTTTTGATGCCATGCACTCATTTCCAGCCAATGATGAAGT-3'
Protein context (NP_940980.4, residues 146-166): GKITLLILDE[Glu156Ala]SDIFMLIFDA

ClinVar aggregate classification (germline): Uncertain significance (1 of 4 stars; one submission).

Conditions:
Inborn genetic diseases. Identifiers: MedGen C0950123, MeSH D030342.

Allele frequency attached by ClinVar (database versions not stated): TOPMed below 0.00001.

Submission:

Ambry Genetics
Classification: Uncertain significance for Inborn genetic diseases. Last evaluated: 2021-07-25. Review status: criteria provided, single submitter. Criteria: Ambry Variant Classification Scheme 2023. Collection method: clinical testing. Allele origin: germline.
Comment: The p.E156A variant (also known as c.467A>C), located in coding exon 5 of the LRRK2 gene, results from an A to C substitution at nucleotide position 467. The glutamic acid at codon 156 is replaced by alanine, an amino acid with dissimilar properties. This amino acid position is conserved. In addition, this alteration is predicted to be tolerated by in silico analysis. Since supporting evidence is limited at this time, the clinical significance of this alteration remains unclear.